The following is an entry in ClinVar:

ClinVar aggregate classification (germline): Uncertain significance (1 of 4 stars; one submission).

Conditions:
Drash syndrome (DDS). Also called: NEPHROPATHY, WILMS TUMOR, AND GENITAL ANOMALIES; WILMS TUMOR AND PSEUDO- OR TRUE HERMAPHRODITISM. Identifiers: Orphanet 220, MedGen C0950121, MONDO:0008682, OMIM 194080.
Wilms tumor 1 (WT1). Also called: Wilms tumor, somatic. Identifiers: Orphanet 654, MedGen CN033288, MONDO:0008679, OMIM 194070.
Frasier syndrome. Identifiers: Orphanet 347, MedGen C0950122, MeSH D052159, MONDO:0007635, OMIM 136680.
11p partial monosomy syndrome (WAGR). Also called: CHROMOSOME 11p13 DELETION SYNDROME; WAGR Spectrum Disorder; WAGR syndrome; WAGR Complex. Identifiers: Orphanet 893, MedGen C0206115, MONDO:0008681, OMIM 194072.

Submission:

Labcorp Genetics (formerly Invitae), Labcorp
Classification: Uncertain significance for Wilms tumor 1; Drash syndrome; 11p partial monosomy syndrome; Frasier syndrome. Last evaluated: 2023-02-26. Review status: criteria provided, single submitter. Criteria: Invitae Variant Classification Sherloc (09022015). Collection method: clinical testing. Allele origin: germline.
Comment: This sequence change replaces proline, which is neutral and non-polar, with alanine, which is neutral and non-polar, at codon 104 of the WT1 protein (p.Pro104Ala). This variant is not present in population databases (gnomAD no frequency). This variant has not been reported in the literature in individuals affected with WT1-related conditions. An algorithm developed to predict the effect of missense changes on protein structure and function (PolyPhen-2) suggests that this variant is likely to be disruptive. In summary, the available evidence is currently insufficient to determine the role of this variant in disease. Therefore, it has been classified as a Variant of Uncertain Significance.

NM_024426.6(WT1):c.325C>G (p.Pro109Ala)

Genes: WT1 (WT1 transcription factor; minus strand), LOC107982234 (WT1/WT1-AS bi-directional promoter region; plus strand). Cytogenetic location: 11p13.
Variant type: single nucleotide variant.
Coding change: c.325C>G on transcript NM_024426.6 (MANE Select); coding-DNA position 325, C replaced by G.
Protein change: p.Pro109Ala; replaces proline 109 with alanine.
Molecular consequence: missense variant. On other transcripts: non-coding transcript variant (2).
Genome position (GRCh38, 1-based): chr11:32,435,036, G>C on the plus strand (C>G on the coding strand, the complement: WT1 is on the minus strand). VCF-style: chr11-32435036-G-C. GRCh37 (hg19) VCF-style: chr11-32456582-G-C.
Other names: c.325C>G, p.Pro109Ala (NM_000378.6, NM_001407044.1, NM_001407045.1 and 6 more transcripts); c.310C>G, p.Pro104Ala (NM_024425.2); short protein forms P104A, P109A.
Identifiers: ClinVar variation 2931534 (VCV002931534.3), dbSNP rs2133104790, ClinGen allele CA379965923.